The following is an entry in ClinVar:

ClinVar aggregate classification (germline): Likely pathogenic (1 of 4 stars; one submission).

Submission:

Labcorp Genetics (formerly Invitae), Labcorp
Classification: Likely pathogenic. Last evaluated: 2022-11-07. Review status: criteria provided, single submitter. Criteria: Invitae Variant Classification Sherloc (09022015). Collection method: clinical testing. Allele origin: germline.
Comment: In summary, the currently available evidence indicates that the variant is pathogenic, but additional data are needed to prove that conclusively. Therefore, this variant has been classified as Likely Pathogenic. Algorithms developed to predict the effect of sequence changes on RNA splicing suggest that this variant may disrupt the consensus splice site. This variant has not been reported in the literature in individuals affected with PROM1-related conditions. This variant is not present in population databases (gnomAD no frequency). This variant results in the deletion of part of exon 9 (c.1003-126_1008del) of the PROM1 gene. It is expected to disrupt RNA splicing. Variants that disrupt the donor or acceptor splice site typically lead to a loss of protein function (PMID: 16199547), and loss-of-function variants in PROM1 are known to be pathogenic (PMID: 17605048, 19718270, 24154662, 25474345).

Literature cited by the submitters: PubMed 16199547; PubMed 17605048; PubMed 19718270; PubMed 24154662; PubMed 25474345.

NM_006017.3(PROM1):c.1003-126_1008del

Gene: PROM1 (prominin 1; minus strand). Cytogenetic location: 4p15.32.
Variant type: Deletion.
Coding change: c.1003-126_1008del on transcript NM_006017.3 (MANE Select); 126 bases into the intron before coding-DNA position 1003 through coding-DNA position 1008, 132 bases deleted.
Molecular consequence: splice acceptor variant.
Genome position (GRCh38, 1-based): chr4:16,016,235-16,016,366, 132 bases deleted. GRCh37 (hg19): chr4:16,017,859-16,017,990.
Other names: c.976-126_981del (NM_001145848.2, NM_001145852.2, NM_001145847.2 and 4 more transcripts); c.1003-126_1008del (NM_001145850.2, NM_001145849.2).
Identifiers: ClinVar variation 2812709 (VCV002812709.3), dbSNP rs2530368885, ClinGen allele CA2739270023.